The following is an entry in ClinVar:

ClinVar aggregate classification (germline): Uncertain significance (1 of 4 stars; one submission).

gnomAD v4.1: 1 of 1,209,210 alleles (0.000083%); highest among the groups gnomAD compares: Non-Finnish European, 0.00011%; no homozygotes.

Submission:

GeneDx
Classification: Uncertain significance. Last evaluated: 2025-08-12. Review status: criteria provided, single submitter. Criteria: GeneDx Variant Classification Process June 2021. Collection method: clinical testing. Allele origin: germline. Affected: yes.
Comment: In silico analysis suggests that this missense variant does not alter protein structure/function; Has not been previously published as pathogenic or benign to our knowledge; Not observed at significant frequency in large population cohorts (gnomAD)

NM_002024.6(FMR1):c.574C>A (p.Leu192Met)

Gene: FMR1 (fragile X messenger ribonucleoprotein 1; plus strand). Cytogenetic location: Xq27.3.
Variant type: single nucleotide variant.
Coding change: c.574C>A on transcript NM_002024.6 (MANE Select); coding-DNA position 574, C replaced by A.
Protein change: p.Leu192Met; replaces leucine 192 with methionine.
Molecular consequence: missense variant. On other transcripts: non-coding transcript variant (2).
Genome position (GRCh38, 1-based): chrX:147,930,188, C>A. VCF-style: chrX-147930188-C-A. GRCh37 (hg19) VCF-style: chrX-147011707-C-A.
Other names: c.574C>A, p.Leu192Met (NM_001185081.2, NM_001185082.2, NM_001185075.2 and 1 more transcripts); short protein forms L192M.
Identifiers: ClinVar variation 4795437 (VCV004795437.1).